The following is an entry in ClinVar:

ClinVar aggregate classification (germline): Uncertain significance. Review status: criteria provided, multiple submitters, no conflicts (2 of 4 stars). 2 submissions from 2 submitters: Uncertain significance (2). Last evaluated 2022-12-10.

Conditions:
Hypertrophic cardiomyopathy. Also called: HYPERTROPHIC MYOCARDIOPATHY. Identifiers: Orphanet 217569, MedGen C0007194, MeSH D002312, MONDO:0005045, HP:0001639.
Cardiomyopathy (CMYO). Also called: Cardiomyopathies. Identifiers: Orphanet 167848, MedGen C0878544, MONDO:0004994, HP:0001638. Inheritance: Various modes of inheritance.

Submissions (2):

Labcorp Genetics (formerly Invitae), Labcorp
Classification: Uncertain significance for Hypertrophic cardiomyopathy. Last evaluated: 2022-12-10. Review status: criteria provided, single submitter. Criteria: Invitae Variant Classification Sherloc (09022015). Collection method: clinical testing. Allele origin: germline.
Comment: In summary, the available evidence is currently insufficient to determine the role of this variant in disease. Therefore, it has been classified as a Variant of Uncertain Significance. Algorithms developed to predict the effect of missense changes on protein structure and function (SIFT, PolyPhen-2, Align-GVGD) all suggest that this variant is likely to be disruptive. ClinVar contains an entry for this variant (Variation ID: 1329388). This missense change has been observed in individual(s) with hypertrophic cardiomyopathy (PMID: 18533079, 21835320, 33782553). This variant is not present in population databases (gnomAD no frequency). This sequence change replaces aspartic acid, which is acidic and polar, with tyrosine, which is neutral and polar, at codon 786 of the MYBPC3 protein (p.Asp786Tyr).

CHEO Genetics Diagnostic Laboratory, Children's Hospital of Eastern Ontario
Classification: Uncertain significance for Cardiomyopathy. Last evaluated: 2019-09-26. Review status: criteria provided, single submitter. Criteria: ACMG Guidelines, 2015. Collection method: clinical testing. Allele origin: germline.

Literature cited by the submitters: PubMed 18533079 (cited by Labcorp Genetics (formerly Invitae), Labcorp); PubMed 21835320 (cited by Labcorp Genetics (formerly Invitae), Labcorp); PubMed 33782553 (cited by Labcorp Genetics (formerly Invitae), Labcorp).

NM_000256.3(MYBPC3):c.2356G>T (p.Asp786Tyr)

Gene: MYBPC3 (myosin binding protein C3; minus strand). Cytogenetic location: 11p11.2.
Variant type: single nucleotide variant.
Coding change: c.2356G>T on transcript NM_000256.3 (MANE Select); coding-DNA position 2356, G replaced by T.
Protein change: p.Asp786Tyr; replaces aspartic acid 786 with tyrosine.
Molecular consequence: missense variant.
Genome position (GRCh38, 1-based): chr11:47,337,747, C>A on the plus strand (G>T on the coding strand, the complement: MYBPC3 is on the minus strand). VCF-style: chr11-47337747-C-A. GRCh37 (hg19) VCF-style: chr11-47359298-C-A.
Other names: short protein forms D786Y.
Identifiers: ClinVar variation 1329388 (VCV001329388.5), dbSNP rs2142855728, ClinGen allele CA380318856.
Genomic context (GRCh38, chr11:47,337,747, plus strand): 5'-CACCCAGGATGGGCTGCCCGCCATCGTAGGCAGGCGGCTCCCACTGTACTGTGCAGGAGT[C>A]CTCTCCCACGTTGCTGATCTTGGGGGCCGCAGGTGCGTCTGGCACGTCTGGATGGGGTGG-3'
Protein context (NP_000247.2, residues 776-796): AAPKISNVGE[Asp786Tyr]SCTVQWEPPA